The following is an entry in ClinVar:

NM_000436.4(OXCT1):c.*1444G>T

Gene: OXCT1 (3-oxoacid CoA-transferase 1; minus strand). Cytogenetic location: 5p13.1.
Variant type: single nucleotide variant.
Coding change: c.*1444G>T on transcript NM_000436.4 (MANE Select); 1444 bases downstream of the stop codon, G replaced by T.
Molecular consequence: 3 prime UTR variant. On other transcripts: non-coding transcript variant (1).
Genome position (GRCh38, 1-based): chr5:41,730,285, C>A on the plus strand (G>T on the coding strand, the complement: OXCT1 is on the minus strand). VCF-style: chr5-41730285-C-A. GRCh37 (hg19) VCF-style: chr5-41730387-C-A.
Other names: c.*1444G>T (NM_001364299.2, NM_001364300.2, NM_001364301.2 and 2 more transcripts).
Identifiers: ClinVar variation 353644 (VCV000353644.5), dbSNP rs10227, ClinGen allele CA10624565.

ClinVar aggregate classification (germline): Benign (1 of 4 stars; one submission).

Conditions:
Succinyl-CoA acetoacetate transferase deficiency (SCOTD). Also called: 3-Oxoacid CoA Transferase Deficiency; KETOACIDOSIS DUE TO SCOT DEFICIENCY; SCOT DEFICIENCY; SUCCINYL-CoA:3-KETOACID CoA-TRANSFERASE DEFICIENCY; Succinyl CoA:3-oxoacid CoA transferase deficiency. Identifiers: Orphanet 832, MedGen C0342792, MONDO:0009492, OMIM 245050.

Allele frequency attached by ClinVar (database versions not stated): gnomAD 0.00925 and 0.01009; 1000 Genomes Project 30x 0.00953; 1000 Genomes Project 0.00958; TOPMed 0.01075.

Submission:

Illumina Laboratory Services, Illumina
Classification: Benign for Succinyl-CoA acetoacetate transferase deficiency. Last evaluated: 2018-01-12. Review status: criteria provided, single submitter. Criteria: ICSL Variant Classification Criteria 13 December 2019. Collection method: clinical testing. Allele origin: germline.
Comment: This variant was observed in the ICSL laboratory as part of a predisposition screen in an ostensibly healthy population. It had not been previously curated by ICSL or reported in the Human Gene Mutation Database (HGMD: prior to June 1st, 2018), and was therefore a candidate for classification through an automated scoring system. Utilizing variant allele frequency, disease prevalence and penetrance estimates, and inheritance mode, an automated score was calculated to assess if this variant is too frequent to cause the disease. Based on the score and internal cut-off values, a variant classified as benign is not then subjected to further curation. The score for this variant resulted in a classification of benign for this disease.